The following is an entry in ClinVar:

NM_015311.3(OBSL1):c.259del (p.Arg87fs)

Gene: OBSL1 (obscurin like cytoskeletal adaptor 1; minus strand). Cytogenetic location: 2q35.
Variant type: Deletion.
Coding change: c.259del on transcript NM_015311.3 (MANE Select); coding-DNA position 259, one base deleted (C; older notation c.259delC).
Protein change: p.Arg87fs; shifts the reading frame from arginine 87.
Molecular consequence: frameshift variant.
Genome position (GRCh38, 1-based): chr2:219,570,974, G deleted on the plus strand (C on the coding strand, the reverse complement: OBSL1 is on the minus strand); the first of 3 consecutive G bases (chr2:219,570,974-219,570,976); deleting any one gives the same sequence. VCF-style (leftmost placement, unchanged base first): chr2-219570973-CG-C. GRCh37 (hg19) VCF-style: chr2-220435695-CG-C.
Other names: c.259del, p.Arg87fs (NM_001173408.2, NM_001173431.2); short protein forms R87fs.
Identifiers: ClinVar variation 1456087 (VCV001456087.9), dbSNP rs2106118762, ClinGen allele CA913089911.

ClinVar aggregate classification (germline): Pathogenic/Likely pathogenic. Review status: criteria provided, multiple submitters, no conflicts (2 of 4 stars). 2 submissions from 2 submitters: Pathogenic (1); Likely pathogenic (1). Last evaluated 2022-07-07.

Conditions:
OBSL1-related disorder. Also called: OBSL1-related condition.

Submissions (2):

Blueprint Genetics
Classification: Likely pathogenic for OBSL1-related disorders. Last evaluated: 2022-07-07. Review status: criteria provided, single submitter. Criteria: ACMG Guidelines, 2015. Collection method: clinical testing. Allele origin: germline. Affected: yes. Observed: 1 variant allele.

Labcorp Genetics (formerly Invitae), Labcorp
Classification: Pathogenic. Last evaluated: 2021-03-23. Review status: criteria provided, single submitter. Criteria: Invitae Variant Classification Sherloc (09022015). Collection method: clinical testing. Allele origin: germline.
Comment: For these reasons, this variant has been classified as Pathogenic. This variant has not been reported in the literature in individuals with OBSL1-related conditions. The frequency data for this variant in the population databases is considered unreliable, as metrics indicate insufficient coverage at this position in the ExAC database. This sequence change creates a premature translational stop signal (p.Arg87Alafs*61) in the OBSL1 gene. It is expected to result in an absent or disrupted protein product. Loss-of-function variants in OBSL1 are known to be pathogenic (PMID: 19481195, 19877176).

Literature cited by the submitters: PubMed 19481195 (cited by Labcorp Genetics (formerly Invitae), Labcorp); PubMed 19877176 (cited by Labcorp Genetics (formerly Invitae), Labcorp).